The following is an entry in ClinVar:

NM_153252.5(BRWD3):c.4573G>A (p.Gly1525Ser)

Gene: BRWD3 (bromodomain and WD repeat domain containing 3; minus strand). Cytogenetic location: Xq21.1.
Variant type: single nucleotide variant.
Coding change: c.4573G>A on transcript NM_153252.5 (MANE Select); coding-DNA position 4573, G replaced by A.
Protein change: p.Gly1525Ser; replaces glycine 1525 with serine.
Molecular consequence: missense variant.
Genome position (GRCh38, 1-based): chrX:80,681,422, C>T on the plus strand (G>A on the coding strand, the complement: BRWD3 is on the minus strand). VCF-style: chrX-80681422-C-T. GRCh37 (hg19) VCF-style: chrX-79936921-C-T.
Other names: NC_000023.10:g.79936921C>T; short protein forms G1525S.
Identifiers: ClinVar variation 2532456 (VCV002532456.17), dbSNP rs771173711, ClinGen allele CA10461624.
Genomic context (GRCh38, chrX:80,681,422, plus strand): 5'-TATTCCGAAATGATTTGGCTTTCCCTGGGTCATGGCTATTTCCACTTCGGCTATATCCAC[C>T]GAAGCTCGATGAAGAAAATGGCCCATCTGGCTCATCATCAAGTAGATATAGTGAAAGCCC-3'
Protein context (NP_694984.5, residues 1515-1535): PDGPFSSSSF[Gly1525Ser]GYSRSGNSHD

ClinVar aggregate classification (germline): Likely benign. Review status: criteria provided, multiple submitters, no conflicts (2 of 4 stars). 2 submissions from 2 submitters: Likely benign (2). Last evaluated 2024-09-01.

Conditions:
Inborn genetic diseases. Identifiers: MedGen C0950123, MeSH D030342.

Allele frequency attached by ClinVar (database versions not stated): TOPMed below 0.00001; gnomAD exomes 0.00003; ExAC 0.00006.
gnomAD v4.1: 32 of 1,209,763 alleles (0.0026%); highest among the groups gnomAD compares: South Asian, 0.049%; no homozygotes.

Submissions (3):

CeGaT Center for Human Genetics Tuebingen
Classification: Likely benign. Last evaluated: 2024-09-01. Review status: criteria provided, single submitter. Criteria: CeGaT Center For Human Genetics Tuebingen Variant Classification Criteria Version 2. Collection method: clinical testing. Allele origin: germline. Affected: yes. Observed: 1 variant allele.
Comment: BRWD3: BP4, BS2

Ambry Genetics
Classification: Likely benign for Inborn genetic diseases. Last evaluated: 2023-04-04. Review status: criteria provided, single submitter. Criteria: Ambry Variant Classification Scheme 2023. Collection method: clinical testing. Allele origin: germline.

Dr. Peter K. Rogan Lab, Western University
No classification provided (evidence only). Condition: Nonpapillary renal cell carcinoma. Review status: no classification provided. Collection method: in vitro. Allele origin: not applicable. Functional consequence: retained intron. Not counted in ClinVar's aggregate classification.